The following is an entry in ClinVar:

ClinVar aggregate classification (germline): Uncertain significance. Review status: criteria provided, multiple submitters, no conflicts (2 of 4 stars). 4 submissions from 4 submitters: Uncertain significance (4). Last evaluated 2025-08-24.

Conditions:
Inborn genetic diseases. Identifiers: MedGen C0950123, MeSH D030342.
Microcephaly 5, primary, autosomal recessive (MCPH5). Also called: ASPM Primary Microcephaly. Identifiers: Orphanet 2512, MedGen C1837501, MONDO:0012106, OMIM 608716.

Allele frequency attached by ClinVar (database versions not stated): TOPMed below 0.00001; gnomAD 0.00001 and 0.00003; gnomAD exomes 0.00001 and 0.00004; ExAC 0.00008; 1000 Genomes Project 0.00060; 1000 Genomes Project 30x 0.00062.
gnomAD v4.1: 25 of 1,612,032 alleles (0.0016%); highest among the groups gnomAD compares: East Asian, 0.027%; no homozygotes.

Submissions (5):

Ambry Genetics
Classification: Uncertain significance for Inborn genetic diseases. Last evaluated: 2025-08-24. Review status: criteria provided, single submitter. Criteria: Ambry Variant Classification Scheme 2023. Collection method: clinical testing. Allele origin: germline.

Labcorp Genetics (formerly Invitae), Labcorp
Classification: Uncertain significance. Last evaluated: 2023-08-30. Review status: criteria provided, single submitter. Criteria: Invitae Variant Classification Sherloc (09022015). Collection method: clinical testing. Allele origin: germline.
Comment: This sequence change replaces lysine, which is basic and polar, with arginine, which is basic and polar, at codon 920 of the ASPM protein (p.Lys920Arg). This variant is present in population databases (rs372956877, gnomAD 0.04%). This variant has not been reported in the literature in individuals affected with ASPM-related conditions. ClinVar contains an entry for this variant (Variation ID: 1325961). An algorithm developed to predict the effect of missense changes on protein structure and function (PolyPhen-2) suggests that this variant is likely to be disruptive. In summary, the available evidence is currently insufficient to determine the role of this variant in disease. Therefore, it has been classified as a Variant of Uncertain Significance.

Genome-Nilou Lab
Classification: Uncertain significance for Microcephaly 5, primary, autosomal recessive. Last evaluated: 2023-04-11. Review status: criteria provided, single submitter. Criteria: ACMG Guidelines, 2015. Collection method: clinical testing. Allele origin: germline. Affected: no.

GeneDx
Classification: Uncertain significance. Last evaluated: 2021-11-16. Review status: criteria provided, single submitter. Criteria: GeneDx Variant Classification Process June 2021. Collection method: clinical testing. Allele origin: germline. Affected: yes.
Comment: In silico analysis, which includes protein predictors and evolutionary conservation, supports a deleterious effect; Has not been previously published as pathogenic or benign to our knowledge; Missense variant in a gene in which most reported pathogenic variants are truncating/loss-of-function

Dr. Peter K. Rogan Lab, Western University
No classification provided (evidence only). Condition: Gastric cancer. Review status: no classification provided. Collection method: in vitro. Allele origin: not applicable. Functional consequence: retained intron. Not counted in ClinVar's aggregate classification.

NM_018136.5(ASPM):c.2759A>G (p.Lys920Arg)

Gene: ASPM (assembly factor for spindle microtubules; minus strand). Cytogenetic location: 1q31.3.
Variant type: single nucleotide variant.
Coding change: c.2759A>G on transcript NM_018136.5 (MANE Select); coding-DNA position 2759, A replaced by G.
Protein change: p.Lys920Arg; replaces lysine 920 with arginine.
Molecular consequence: missense variant.
Genome position (GRCh38, 1-based): chr1:197,129,188, T>C on the plus strand (A>G on the coding strand, the complement: ASPM is on the minus strand). VCF-style: chr1-197129188-T-C. GRCh37 (hg19) VCF-style: chr1-197098318-T-C.
Other names: c.2759A>G, p.Lys920Arg (NM_001206846.2); short protein forms K920R.
Identifiers: ClinVar variation 1325961 (VCV001325961.8), dbSNP rs372956877, ClinGen allele CA1310373.